The following is an entry in ClinVar:

ClinVar aggregate classification (germline): Uncertain significance. Review status: criteria provided, multiple submitters, no conflicts (2 of 4 stars). 2 submissions from 2 submitters: Uncertain significance (2). Last evaluated 2025-04-01.

gnomAD v4.1: 67 of 1,613,962 alleles (0.0042%); highest among the groups gnomAD compares: Non-Finnish European, 0.0052%; no homozygotes.

Submissions (2):

Ambry Genetics
Classification: Uncertain significance. Last evaluated: 2025-04-01. Review status: criteria provided, single submitter. Criteria: Ambry Variant Classification Scheme 2023. Collection method: clinical testing. Allele origin: germline.

Labcorp Genetics (formerly Invitae), Labcorp
Classification: Uncertain significance. Last evaluated: 2023-07-06. Review status: criteria provided, single submitter. Criteria: Invitae Variant Classification Sherloc (09022015). Collection method: clinical testing. Allele origin: germline.
Comment: This sequence change replaces arginine, which is basic and polar, with serine, which is neutral and polar, at codon 2052 of the NIN protein (p.Arg2052Ser). In summary, the available evidence is currently insufficient to determine the role of this variant in disease. Therefore, it has been classified as a Variant of Uncertain Significance. Algorithms developed to predict the effect of missense changes on protein structure and function output the following: SIFT: "Not Available"; PolyPhen-2: "Probably Damaging"; Align-GVGD: "Not Available". The serine amino acid residue is found in multiple mammalian species, which suggests that this missense change does not adversely affect protein function. This variant has not been reported in the literature in individuals affected with NIN-related conditions. This variant is present in population databases (rs534805269, gnomAD 0.006%).

NM_020921.4(NIN):c.6156G>T (p.Arg2052Ser)

Gene: NIN (ninein; minus strand). Cytogenetic location: 14q22.1.
Variant type: single nucleotide variant.
Coding change: c.6156G>T on transcript NM_020921.4 (MANE Select); coding-DNA position 6156, G replaced by T.
Protein change: p.Arg2052Ser; replaces arginine 2052 with serine.
Molecular consequence: missense variant.
Genome position (GRCh38, 1-based): chr14:50,725,989, C>A on the plus strand (G>T on the coding strand, the complement: NIN is on the minus strand). VCF-style: chr14-50725989-C-A. GRCh37 (hg19) VCF-style: chr14-51192707-C-A.
Other names: c.6156G>T (NM_020921.3); c.4017G>T, p.Arg1339Ser (NM_016350.5); c.6156G>T, p.Arg2052Ser (NM_182946.2); short protein forms R2052S, R1339S.
Identifiers: ClinVar variation 2711870 (VCV002711870.4), dbSNP rs534805269, ClinGen allele CA7180979.
Genomic context (GRCh38, chr14:50,725,989, plus strand): 5'-ACAGAGATGACCGGGTAGGCTCACTTGTTCTTTGAGCTGATTCACTTTCTCTTGAAGAAG[C>A]CTTTTCACTAGTTTCAGTTTCTGTTCAACTTCTATCATTCGTTCCTCCATGACAGTTACC-3'
Protein context (NP_065972.4, residues 2042-2062): EVEQKLKLVK[Arg2052Ser]LLQEKVNQLK